The following is an entry in ClinVar:

ClinVar aggregate classification (germline): Uncertain significance (1 of 4 stars; one submission).

Submission:

Labcorp Genetics (formerly Invitae), Labcorp
Classification: Uncertain significance. Last evaluated: 2025-05-11. Review status: criteria provided, single submitter. Criteria: Invitae Variant Classification Sherloc (09022015). Collection method: clinical testing. Allele origin: germline.
Comment: This sequence change replaces alanine, which is neutral and non-polar, with threonine, which is neutral and polar, at codon 800 of the MAST1 protein (p.Ala800Thr). This variant is not present in population databases (gnomAD no frequency). This variant has not been reported in the literature in individuals affected with MAST1-related conditions. An algorithm developed to predict the effect of missense changes on protein structure and function (PolyPhen-2) suggests that this variant is likely to be disruptive. In summary, the available evidence is currently insufficient to determine the role of this variant in disease. Therefore, it has been classified as a Variant of Uncertain Significance.

NM_014975.3(MAST1):c.2398G>A (p.Ala800Thr)

Genes: MAST1 (microtubule associated serine/threonine kinase 1; plus strand), LOC112543452 (Sharpr-MPRA regulatory region 6054; plus strand). Cytogenetic location: 19p13.13.
Variant type: single nucleotide variant.
Coding change: c.2398G>A on transcript NM_014975.3 (MANE Select); coding-DNA position 2398, G replaced by A.
Protein change: p.Ala800Thr; replaces alanine 800 with threonine.
Molecular consequence: missense variant.
Genome position (GRCh38, 1-based): chr19:12,867,809, G>A. VCF-style: chr19-12867809-G-A. GRCh37 (hg19) VCF-style: chr19-12978623-G-A.
Other names: short protein forms A800T.
Identifiers: ClinVar variation 4764220 (VCV004764220.1).